The following is an entry in ClinVar:

ClinVar aggregate classification (germline): Uncertain significance (1 of 4 stars; one submission).

Conditions:
Myopathy, proximal, and ophthalmoplegia (CMYO6). Also called: MYOPATHY WITH CONGENITAL JOINT CONTRACTURES, OPHTHALMOPLEGIA, AND RIMMED VACUOLES; CONGENITAL MYOPATHY 6 WITH OPHTHALMOPLEGIA; INCLUSION BODY MYOPATHY 3, AUTOSOMAL DOMINANT. Identifiers: Orphanet 363677, Orphanet 79091, MedGen C1854106, MONDO:0011577, OMIM 605637.

Submission:

Labcorp Genetics (formerly Invitae), Labcorp
Classification: Uncertain significance for Myopathy, proximal, and ophthalmoplegia. Last evaluated: 2022-09-01. Review status: criteria provided, single submitter. Criteria: Invitae Variant Classification Sherloc (09022015). Collection method: clinical testing. Allele origin: germline.
Comment: ClinVar contains an entry for this variant (Variation ID: 938500). This sequence change replaces methionine, which is neutral and non-polar, with valine, which is neutral and non-polar, at codon 1771 of the MYH2 protein (p.Met1771Val). This variant is not present in population databases (gnomAD no frequency). This variant has not been reported in the literature in individuals affected with MYH2-related conditions. Algorithms developed to predict the effect of missense changes on protein structure and function are either unavailable or do not agree on the potential impact of this missense change (SIFT: "Deleterious"; PolyPhen-2: "Benign"; Align-GVGD: "Class C15"). In summary, the available evidence is currently insufficient to determine the role of this variant in disease. Therefore, it has been classified as a Variant of Uncertain Significance.

NM_017534.6(MYH2):c.5311A>G (p.Met1771Val)

Genes: MYHAS (myosin heavy chain gene cluster antisense RNA; plus strand), MYH2 (myosin heavy chain 2; minus strand). Cytogenetic location: 17p13.1.
Variant type: single nucleotide variant.
Coding change: c.5311A>G on transcript NM_017534.6 (MANE Select); coding-DNA position 5311, A replaced by G.
Protein change: p.Met1771Val; replaces methionine 1771 with valine.
Molecular consequence: missense variant.
Genome position (GRCh38, 1-based): chr17:10,523,657, T>C on the plus strand (A>G on the coding strand, the complement: MYH2 is on the minus strand). VCF-style: chr17-10523657-T-C. GRCh37 (hg19) VCF-style: chr17-10426974-T-C.
Other names: c.5311A>G, p.Met1771Val (NM_001100112.2); short protein forms M1771V.
Identifiers: ClinVar variation 938500 (VCV000938500.7), dbSNP rs2073312358, ClinGen allele CA398117491.
Genomic context (GRCh38, chr17:10,523,657, plus strand): 5'-TCTTCTTCATCCGCTCCAGGTGGGCGCTGGTGTCCTGCTCCTTCTTCAGCTCCTCAGCCA[T>C]CATGGCGGCCTAAATAGCAAATAAATCAAGAAAACCAAGAAAGTTATAGATGTCAGGAAA-3'
Protein context (NP_060004.3, residues 1761-1781): AKKAITDAAM[Met1771Val]AEELKKEQDT